The following is an entry in ClinVar:

NM_001080449.3(DNA2):c.2918A>G (p.Asp973Gly)

Gene: DNA2 (DNA replication helicase/nuclease 2; minus strand). Cytogenetic location: 10q21.3.
Variant type: single nucleotide variant.
Coding change: c.2918A>G on transcript NM_001080449.3 (MANE Select); coding-DNA position 2918, A replaced by G.
Protein change: p.Asp973Gly; replaces aspartic acid 973 with glycine.
Molecular consequence: missense variant. On other transcripts: non-coding transcript variant (1).
Genome position (GRCh38, 1-based): chr10:68,419,083, T>C on the plus strand (A>G on the coding strand, the complement: DNA2 is on the minus strand). VCF-style: chr10-68419083-T-C. GRCh37 (hg19) VCF-style: chr10-70178840-T-C.
Other names: short protein forms D973G.
Identifiers: ClinVar variation 2109548 (VCV002109548.4), dbSNP rs2493894845, ClinGen allele CA376841262.
Genomic context (GRCh38, chr10:68,419,083, plus strand): 5'-AATTAACTCACAGTTCCATCCTTATTACTTCTAACAAAAGATACTAGGACAATACTTTTG[T>C]CCCTTCCTTGGTATTTGTCTACTGTATTAACTTCGACCATCCCAATAGAACGTGCCAATA-3'
Protein context (NP_001073918.2, residues 963-983): VNTVDKYQGR[Asp973Gly]KSIVLVSFVR

ClinVar aggregate classification (germline): Uncertain significance (1 of 4 stars; one submission).

Submission:

Labcorp Genetics (formerly Invitae), Labcorp
Classification: Uncertain significance. Last evaluated: 2022-03-11. Review status: criteria provided, single submitter. Criteria: Invitae Variant Classification Sherloc (09022015). Collection method: clinical testing. Allele origin: germline.
Comment: In summary, the available evidence is currently insufficient to determine the role of this variant in disease. Therefore, it has been classified as a Variant of Uncertain Significance. Algorithms developed to predict the effect of missense changes on protein structure and function are either unavailable or do not agree on the potential impact of this missense change (SIFT: "Deleterious"; PolyPhen-2: "Not Available"; Align-GVGD: "Class C0"). This variant has not been reported in the literature in individuals affected with DNA2-related conditions. This variant is not present in population databases (gnomAD no frequency). This sequence change replaces aspartic acid, which is acidic and polar, with glycine, which is neutral and non-polar, at codon 973 of the DNA2 protein (p.Asp973Gly).